The following is an entry in ClinVar:

ClinVar aggregate classification (germline): Benign/Likely benign. Review status: criteria provided, multiple submitters, no conflicts (2 of 4 stars). 6 submissions from 6 submitters: Benign (1); Likely benign (3). 2 of the submissions do not count toward it. Last evaluated 2026-01-27.

Conditions:
Dyskeratosis congenita, autosomal recessive 5 (DKCB5). Identifiers: MedGen C3554656, MONDO:0014076, OMIM 615190.
Pulmonary fibrosis and/or bone marrow failure, Telomere-related, 3. Also called: PULMONARY FIBROSIS AND/OR BONE MARROW FAILURE SYNDROME, TELOMERE-RELATED, 3. Identifiers: Orphanet 2032, MedGen C4225346, MONDO:0014613, OMIM 616373.
RTEL1-related disorder. Also called: RTEL1-related disorders; RTEL1-related condition.
Inborn genetic diseases. Identifiers: MedGen C0950123, MeSH D030342.
Dyskeratosis congenita. Identifiers: Orphanet 1775, MedGen C0265965, MONDO:0015780.

Allele frequency attached by ClinVar (database versions not stated): gnomAD 0.00090 and 0.00084; TOPMed 0.00093; 1000 Genomes Project 0.00100; gnomAD exomes 0.00006 and 0.00021; ExAC 0.00066; 1000 Genomes Project 30x 0.00078; ESP Exome Variant Server 0.00108.
gnomAD v4.1: 226 of 1,581,304 alleles (0.014%); highest among the groups gnomAD compares: African/African-American, 0.26%; 1 homozygote.

Submissions (6):

Labcorp Genetics (formerly Invitae), Labcorp
Classification: Benign for Dyskeratosis congenita, autosomal recessive 5; Pulmonary fibrosis and/or bone marrow failure, Telomere-related, 3. Last evaluated: 2026-01-27. Review status: criteria provided, single submitter. Criteria: Invitae Variant Classification Sherloc (09022015). Collection method: clinical testing. Allele origin: germline.

CeGaT Center for Human Genetics Tuebingen
Classification: Likely benign. Last evaluated: 2024-08-01. Review status: criteria provided, single submitter. Criteria: CeGaT Center For Human Genetics Tuebingen Variant Classification Criteria Version 2. Collection method: clinical testing. Allele origin: germline. Affected: yes. Observed: 1 variant allele.
Comment: RTEL1: BP4, BP7

Ambry Genetics
Classification: Likely benign for Inborn genetic diseases. Last evaluated: 2024-04-28. Review status: criteria provided, single submitter. Criteria: Ambry Variant Classification Scheme 2023. Collection method: clinical testing. Allele origin: germline.

Blueprint Genetics
Classification: Likely benign. Last evaluated: 2022-06-22. Review status: criteria provided, single submitter. Criteria: ACMG Guidelines, 2015. Collection method: clinical testing. Allele origin: germline.

PreventionGenetics, part of Exact Sciences
Classification: Likely benign for RTEL1-related condition. Last evaluated: 2023-09-16. Review status: no assertion criteria provided. Collection method: clinical testing. Allele origin: germline. Not counted in ClinVar's aggregate classification.
Comment: This variant is classified as likely benign based on ACMG/AMP sequence variant interpretation guidelines (Richards et al. 2015 PMID: 25741868, with internal and published modifications).

Natera, Inc.
Classification: Likely benign for Dyskeratosis congenita. Last evaluated: 2020-01-02. Review status: no assertion criteria provided. Collection method: clinical testing. Allele origin: germline. Not counted in ClinVar's aggregate classification.

NM_001283009.2(RTEL1):c.762C>T (p.Asn254=)

Genes: RTEL1 (regulator of telomere elongation helicase 1; plus strand), RTEL1-TNFRSF6B (RTEL1-TNFRSF6B readthrough (NMD candidate); plus strand). Cytogenetic location: 20q13.33.
Variant type: single nucleotide variant.
Coding change: c.762C>T on transcript NM_001283009.2 (MANE Select); coding-DNA position 762, C replaced by T.
Protein change: p.Asn254=; no amino-acid change (asparagine 254 retained).
Molecular consequence: synonymous variant. On other transcripts: non-coding transcript variant (1).
Genome position (GRCh38, 1-based): chr20:63,672,618, C>T. VCF-style: chr20-63672618-C-T. GRCh37 (hg19) VCF-style: chr20-62303971-C-T.
Other names: c.93C>T, p.Asn31= (NM_001283010.1); c.762C>T, p.Asn254= (NM_016434.4); c.834C>T, p.Asn278= (NM_032957.5).
Identifiers: ClinVar variation 729951 (VCV000729951.31), dbSNP rs150877719, ClinGen allele CA9964427.